The following is an entry in ClinVar:

ClinVar aggregate classification (germline): Conflicting classifications of pathogenicity. Review status: criteria provided, conflicting classifications (1 of 4 stars). 3 submissions from 3 submitters: Uncertain significance (1); Likely benign (2). Last evaluated 2025-07-07.

Conditions:
Malignant hyperthermia, susceptibility to, 5 (MHS5). Also called: CACNA1S-Related Malignant Hyperthermia Susceptibility. Identifiers: Orphanet 423, MedGen C1866077, MONDO:0011163, OMIM 601887.
Hypokalemic periodic paralysis, type 1. Also called: HypoPP; Hypokalemic Periodic Paralysis Type 1 (AD). Identifiers: Orphanet 681, MedGen C3714580, MONDO:0042979, OMIM 170400.

Allele frequency attached by ClinVar (database versions not stated): gnomAD exomes below 0.00001; TOPMed below 0.00001.
gnomAD v4.1: 2 of 1,614,230 alleles (0.00012%); highest among the groups gnomAD compares: Non-Finnish European, 0.00017%; no homozygotes.

Submissions (3):

Color Diagnostics, LLC DBA Color Health
Classification: Likely benign for Malignant hyperthermia, susceptibility to, 5. Last evaluated: 2025-07-07. Review status: criteria provided, single submitter. Criteria: ACMG Guidelines, 2015. Collection method: clinical testing. Allele origin: germline.

All of Us Research Program, National Institutes of Health
Classification: Uncertain significance for Malignant hyperthermia, susceptibility to, 5. Last evaluated: 2023-06-26. Review status: criteria provided, single submitter. Criteria: ACMG Guidelines, 2015. Collection method: clinical testing. Allele origin: germline. Inheritance: Autosomal dominant inheritance. Observed: 3 variant alleles, 3 heterozygotes.
Comment: This variant is located in the CACNA1S protein. To our knowledge, functional studies have not been reported for this variant. This variant has not been reported in individuals affected with CACNA1S-related disorders in the literature. This variant has not been identified in the general population by the Genome Aggregation Database (gnomAD). The available evidence is insufficient to determine the role of this variant in disease conclusively. Therefore, this variant is classified as a Variant of Uncertain Significance.

This study involves interpretation of variants in research participants for the purpose of population health screening. Participant phenotype was not available at the time of variant classification. Additional details can be found in publication PMID: 35346344, PMCID: PMC8962531

Labcorp Genetics (formerly Invitae), Labcorp
Classification: Likely benign for Hypokalemic periodic paralysis, type 1; Malignant hyperthermia, susceptibility to, 5. Last evaluated: 2023-01-05. Review status: criteria provided, single submitter. Criteria: Invitae Variant Classification Sherloc (09022015). Collection method: clinical testing. Allele origin: germline.

NM_000069.3(CACNA1S):c.648G>A (p.Glu216=)

Gene: CACNA1S (calcium voltage-gated channel subunit alpha1 S; minus strand). Cytogenetic location: 1q32.1.
Variant type: single nucleotide variant.
Coding change: c.648G>A on transcript NM_000069.3 (MANE Select); coding-DNA position 648, G replaced by A.
Protein change: p.Glu216=; no amino-acid change (glutamic acid 216 retained).
Molecular consequence: synonymous variant.
Genome position (GRCh38, 1-based): chr1:201,091,686, C>T on the plus strand (G>A on the coding strand, the complement: CACNA1S is on the minus strand). VCF-style: chr1-201091686-C-T. GRCh37 (hg19) VCF-style: chr1-201060814-C-T.
Identifiers: ClinVar variation 1598534 (VCV001598534.10), dbSNP rs200633947, ClinGen allele CA35996528.